The following is an entry in ClinVar:

ClinVar aggregate classification (germline): Uncertain significance (1 of 4 stars; one submission).

Submission:

Ambry Genetics
Classification: Uncertain significance. Last evaluated: 2026-09-03. Review status: criteria provided, single submitter. Criteria: Ambry Variant Classification Scheme 2023. Collection method: clinical testing. Allele origin: germline.
Comment: The p.G1494D variant (also known as c.4481G>A), located in coding exon 19 of the WNK2 gene, results from a G to A substitution at nucleotide position 4481. The glycine at codon 1494 is replaced by aspartic acid, an amino acid with similar properties. This amino acid position is conserved. In addition, this alteration is predicted to be tolerated by in silico analysis. Based on the available evidence, the clinical significance of this variant remains unclear.

NM_006648.4(WNK2):c.4481G>A (p.Gly1494Asp)

Gene: WNK2 (WNK lysine deficient protein kinase 2; plus strand). Cytogenetic location: 9q22.31.
Variant type: single nucleotide variant.
Coding change: c.4481G>A on transcript NM_006648.4 (MANE Select); coding-DNA position 4481, G replaced by A.
Protein change: p.Gly1494Asp; replaces glycine 1494 with aspartic acid.
Molecular consequence: missense variant.
Genome position (GRCh38, 1-based): chr9:93,289,235, G>A. VCF-style: chr9-93289235-G-A. GRCh37 (hg19) VCF-style: chr9-96051517-G-A.
Other names: c.4592G>A, p.Gly1531Asp (NM_001282394.3); short protein forms G1494D, G1531D.
Identifiers: ClinVar variation 5031966 (VCV005031966.1).